The following is an entry in ClinVar:

NM_001378609.3(OTOGL):c.911C>A (p.Pro304Gln)

Gene: OTOGL (otogelin like; plus strand). Cytogenetic location: 12q21.31.
Variant type: single nucleotide variant.
Coding change: c.911C>A on transcript NM_001378609.3 (MANE Select); coding-DNA position 911, C replaced by A.
Protein change: p.Pro304Gln; replaces proline 304 with glutamine.
Molecular consequence: missense variant.
Genome position (GRCh38, 1-based): chr12:80,238,944, C>A. VCF-style: chr12-80238944-C-A. GRCh37 (hg19) VCF-style: chr12-80632724-C-A.
Other names: c.911C>A, p.Pro304Gln (NM_001368062.3, NM_001378610.3, NM_173591.7); short protein forms P304Q.
Identifiers: ClinVar variation 3252977 (VCV003252977.1), dbSNP rs2540975166.

ClinVar aggregate classification (germline): Uncertain significance (1 of 4 stars; one submission).

Submission:

GeneDx
Classification: Uncertain significance. Last evaluated: 2023-06-20. Review status: criteria provided, single submitter. Criteria: GeneDx Variant Classification Process June 2021. Collection method: clinical testing. Allele origin: germline. Affected: yes.
Comment: Not observed at significant frequency in large population cohorts (gnomAD); In silico analysis supports that this missense variant has a deleterious effect on protein structure/function; Has not been previously published as pathogenic or benign to our knowledge